The following is an entry in ClinVar:

ClinVar aggregate classification (germline): Uncertain significance (0 of 4 stars; one submission).

Conditions:
ischemic cerebrovascular diesease.

gnomAD v4.1: 8 of 1,613,830 alleles (0.0005%); highest among the groups gnomAD compares: South Asian, 0.0011%; no homozygotes.

Submission:

Institute of Neurology, Charite University of Medicine
Classification: Uncertain significance for ischemic cerebrovascular diesease. Last evaluated: 2025-07-10. Review status: no assertion criteria provided. Collection method: provider interpretation. Allele origin: germline. Affected: yes. Observed: 1 variant allele.
Comment: Coding variants in PINK1 have been reported in Parkinson's disease. The variant has been classsified as 'variant of uncertain significance' based on the ACMG classification.

NM_032409.3(PINK1):c.976C>T (p.Arg326Cys)

Genes: PINK1 (PTEN induced kinase 1; plus strand), PINK1-AS (PINK1 antisense RNA; minus strand). Cytogenetic location: 1p36.12.
Variant type: single nucleotide variant.
Coding change: c.976C>T on transcript NM_032409.3 (MANE Select); coding-DNA position 976, C replaced by T.
Protein change: p.Arg326Cys; replaces arginine 326 with cysteine.
Molecular consequence: missense variant.
Genome position (GRCh38, 1-based): chr1:20,645,576, C>T. VCF-style: chr1-20645576-C-T. GRCh37 (hg19) VCF-style: chr1-20972069-C-T.
Other names: short protein forms R326C.
Identifiers: ClinVar variation 4857849 (VCV004857849.1).